The following is an entry in ClinVar:

ClinVar aggregate classification (germline): Uncertain significance. Review status: criteria provided, multiple submitters, no conflicts (2 of 4 stars). 2 submissions from 2 submitters: Uncertain significance (2). Last evaluated 2023-12-18.

Conditions:
Hereditary motor and sensory neuropathy, Okinawa type (HMSNO). Also called: HEREDITARY MOTOR AND SENSORY NEUROPATHY, PROXIMAL TYPE. Identifiers: Orphanet 90117, MedGen C1858338, MONDO:0011468, OMIM 604484.
Hereditary spastic paraplegia 57. Also called: Spastic paraplegia 57, autosomal recessive. Identifiers: Orphanet 431329, MedGen C3714897, MONDO:0014295, OMIM 615658.
Inborn genetic diseases. Identifiers: MedGen C0950123, MeSH D030342.

Allele frequency attached by ClinVar (database versions not stated): TOPMed below 0.00001; gnomAD 0.00001; gnomAD exomes 0.00001; ExAC 0.00002.
gnomAD v4.1: 14 of 1,613,422 alleles (0.00087%); highest among the groups gnomAD compares: South Asian, 0.0011%; no homozygotes.

Submissions (2):

Ambry Genetics
Classification: Uncertain significance for Inborn genetic diseases. Last evaluated: 2023-12-18. Review status: criteria provided, single submitter. Criteria: Ambry Variant Classification Scheme 2023. Collection method: clinical testing. Allele origin: germline.

Labcorp Genetics (formerly Invitae), Labcorp
Classification: Uncertain significance for Hereditary motor and sensory neuropathy, Okinawa type; Hereditary spastic paraplegia 57. Last evaluated: 2021-06-23. Review status: criteria provided, single submitter. Criteria: Invitae Variant Classification Sherloc (09022015). Collection method: clinical testing. Allele origin: germline.
Comment: This variant is present in population databases (rs752762145, ExAC 0.02%). This variant has not been reported in the literature in individuals affected with TFG-related conditions. Algorithms developed to predict the effect of missense changes on protein structure and function are either unavailable or do not agree on the potential impact of this missense change (SIFT: "Tolerated"; PolyPhen-2: "Possibly Damaging"; Align-GVGD: "Class C0"). In summary, the available evidence is currently insufficient to determine the role of this variant in disease. Therefore, it has been classified as a Variant of Uncertain Significance. This sequence change replaces proline with leucine at codon 258 of the TFG protein (p.Pro258Leu). The proline residue is highly conserved and there is a moderate physicochemical difference between proline and leucine.

NM_006070.6(TFG):c.773C>T (p.Pro258Leu)

Gene: TFG (trafficking from ER to golgi regulator; plus strand). Cytogenetic location: 3q12.2.
Variant type: single nucleotide variant.
Coding change: c.773C>T on transcript NM_006070.6 (MANE Select); coding-DNA position 773, C replaced by T.
Protein change: p.Pro258Leu; replaces proline 258 with leucine.
Molecular consequence: missense variant.
Genome position (GRCh38, 1-based): chr3:100,744,884, C>T. VCF-style: chr3-100744884-C-T. GRCh37 (hg19) VCF-style: chr3-100463728-C-T.
Other names: c.773C>T (NM_006070.5); c.773C>T, p.Pro258Leu (NM_001007565.2, NM_001195478.2); c.761C>T, p.Pro254Leu (NM_001195479.2); short protein forms P254L, P258L.
Identifiers: ClinVar variation 1498398 (VCV001498398.9), dbSNP rs752762145, ClinGen allele CA2517190.